The following is an entry in ClinVar:

ClinVar aggregate classification (germline): Uncertain significance (1 of 4 stars; one submission).

Submission:

GeneDx
Classification: Uncertain significance. Last evaluated: 2023-05-11. Review status: criteria provided, single submitter. Criteria: GeneDx Variant Classification Process June 2021. Collection method: clinical testing. Allele origin: germline. Affected: yes.
Comment: Not observed at significant frequency in large population cohorts (gnomAD); In silico analysis supports that this missense variant has a deleterious effect on protein structure/function; Has not been previously published as pathogenic or benign to our knowledge

NM_000829.4(GRIA4):c.1153A>G (p.Arg385Gly)

Gene: GRIA4 (glutamate ionotropic receptor AMPA type subunit 4; plus strand). Cytogenetic location: 11q22.3.
Variant type: single nucleotide variant.
Coding change: c.1153A>G on transcript NM_000829.4 (MANE Select); coding-DNA position 1153, A replaced by G.
Protein change: p.Arg385Gly; replaces arginine 385 with glycine.
Molecular consequence: missense variant. On other transcripts: non-coding transcript variant (1).
Genome position (GRCh38, 1-based): chr11:105,905,296, A>G. VCF-style: chr11-105905296-A-G. GRCh37 (hg19) VCF-style: chr11-105776022-A-G.
Other names: c.1153A>G, p.Arg385Gly (NM_001077243.3, NM_001077244.2, NM_001112812.2); short protein forms R385G.
Identifiers: ClinVar variation 3343245 (VCV003343245.1).